The following is an entry in ClinVar:

ClinVar aggregate classification (germline): Uncertain significance (1 of 4 stars; one submission).

Allele frequency attached by ClinVar (database versions not stated): gnomAD exomes below 0.00001.

Submission:

Labcorp Genetics (formerly Invitae), Labcorp
Classification: Uncertain significance. Last evaluated: 2022-09-19. Review status: criteria provided, single submitter. Criteria: Invitae Variant Classification Sherloc (09022015). Collection method: clinical testing. Allele origin: germline.
Comment: This variant, c.368_370del, is a complex sequence change that results in the deletion of 2 and insertion of 1 amino acid(s) in the RNF168 protein (p.Glu123_Ile124delinsVal). This variant is not present in population databases (gnomAD no frequency). This variant has not been reported in the literature in individuals affected with RNF168-related conditions. ClinVar contains an entry for this variant (Variation ID: 1002514). Algorithms developed to predict the effect of sequence changes on RNA splicing suggest that this variant may create or strengthen a splice site. In summary, the available evidence is currently insufficient to determine the role of this variant in disease. Therefore, it has been classified as a Variant of Uncertain Significance.

NM_152617.4(RNF168):c.368_370del (p.Glu123_Ile124delinsVal)

Gene: RNF168 (ring finger protein 168; minus strand). Cytogenetic location: 3q29.
Variant type: Deletion.
Coding change: c.368_370del on transcript NM_152617.4 (MANE Select); coding-DNA positions 368 to 370, 3 bases deleted (AAA; older notation c.368_370delAAA).
Protein change: p.Glu123_Ile124delinsVal.
Molecular consequence: inframe indel.
Genome position (GRCh38, 1-based): chr3:196,488,615-196,488,617, TTT deleted on the plus strand (AAA on the coding strand, the reverse complement: RNF168 is on the minus strand). VCF-style (leftmost placement, unchanged base first): chr3-196488614-ATTT-A. GRCh37 (hg19) VCF-style: chr3-196215485-ATTT-A.
Identifiers: ClinVar variation 1002514 (VCV001002514.2), dbSNP rs1732515457, ClinGen allele CA1431676406.